The following is an entry in ClinVar:

ClinVar aggregate classification (germline): Uncertain significance (1 of 4 stars; one submission).

Conditions:
Hereditary cancer-predisposing syndrome. Also called: Hereditary neoplastic syndrome; Tumor predisposition; Hereditary Cancer Syndrome; Neoplastic Syndromes, Hereditary. Identifiers: Orphanet 140162, MedGen C0027672, MeSH D009386, MONDO:0015356.

Allele frequency attached by ClinVar (database versions not stated): gnomAD exomes below 0.00001.
gnomAD v4.1: 2 of 1,612,820 alleles (0.00012%); highest among the groups gnomAD compares: South Asian, 0.0011%; no homozygotes.

Submission:

Color Diagnostics, LLC DBA Color Health
Classification: Uncertain significance for Hereditary cancer-predisposing syndrome. Last evaluated: 2023-12-05. Review status: criteria provided, single submitter. Criteria: ACMG Guidelines, 2015. Collection method: clinical testing. Allele origin: germline.
Comment: This missense variant replaces alanine with serine at codon 3088 of the BRCA2 protein. Computational prediction suggests that this variant may not impact protein structure and function (internally defined REVEL score threshold <= 0.5, PMID: 27666373). To our knowledge, functional studies have not been reported for this variant. This variant has not been reported in individuals affected with BRCA2-related disorders in the literature. This variant has not been identified in the general population by the Genome Aggregation Database (gnomAD). The available evidence is insufficient to determine the role of this variant in disease conclusively. Therefore, this variant is classified as a Variant of Uncertain Significance.

NM_000059.4(BRCA2):c.9262G>T (p.Ala3088Ser)

Gene: BRCA2 (BRCA2 DNA repair associated; plus strand). Cytogenetic location: 13q13.1.
Variant type: single nucleotide variant.
Coding change: c.9262G>T on transcript NM_000059.4 (MANE Select); coding-DNA position 9262, G replaced by T.
Protein change: p.Ala3088Ser; replaces alanine 3088 with serine.
Molecular consequence: missense variant.
Genome position (GRCh38, 1-based): chr13:32,394,694, G>T. VCF-style: chr13-32394694-G-T. GRCh37 (hg19) VCF-style: chr13-32968831-G-T.
Other names: short protein forms A3088S.
Identifiers: ClinVar variation 491373 (VCV000491373.6), dbSNP rs730881569, ClinGen allele CA387760727.